The following is an entry in ClinVar:

NM_016529.6(ATP8A2):c.3381G>C (p.Leu1127=)

Gene: ATP8A2 (ATPase phospholipid transporting 8A2). Cytogenetic location: 13q12.13.
Variant type: single nucleotide variant.
Coding change: c.3381G>C on transcript NM_016529.6 (MANE Select); coding-DNA position 3381, G replaced by C.
Protein change: p.Leu1127=; no amino-acid change (leucine 1127 retained).
Molecular consequence: synonymous variant.
Genome position (GRCh38, 1-based): chr13:26,012,534, G>C. VCF-style: chr13-26012534-G-C. GRCh37 (hg19) VCF-style: chr13-26586672-G-C.
Other names: p.Leu1127=; c.3186G>C, p.Leu1062= (NM_001313741.1); c.3306G>C, p.Leu1102= (NM_001411005.1).
Identifiers: ClinVar variation 4683784 (VCV004683784.1).

ClinVar aggregate classification (germline): Likely benign (1 of 4 stars; one submission).

gnomAD v4.1: 46 of 1,540,208 alleles (0.003%); highest among the groups gnomAD compares: South Asian, 0.0073%; no homozygotes.

Submission:

Mayo Clinic Laboratories, Mayo Clinic
Classification: Likely benign. Last evaluated: 2025-08-06. Review status: criteria provided, single submitter. Criteria: ACMG Guidelines, 2015. Collection method: clinical testing. Allele origin: germline. Observed: 1 variant allele.
Comment: BP4, BP7